The following is an entry in ClinVar:

ClinVar aggregate classification (germline): Conflicting classifications of pathogenicity. Review status: criteria provided, conflicting classifications (1 of 4 stars). 2 submissions from 2 submitters: Uncertain significance (1); Likely benign (1). Last evaluated 2024-01-08.

Conditions:
Inborn genetic diseases. Identifiers: MedGen C0950123, MeSH D030342.

Allele frequency attached by ClinVar (database versions not stated): ExAC 0.00001; gnomAD exomes 0.00002; gnomAD 0.00005; TOPMed 0.00011.
gnomAD v4.1: 48 of 1,613,886 alleles (0.003%); highest among the groups gnomAD compares: Middle Eastern, 0.016%; no homozygotes.

Submissions (2):

Women's Health and Genetics/Laboratory Corporation of America, LabCorp
Classification: Uncertain significance. Last evaluated: 2024-01-08. Review status: criteria provided, single submitter. Criteria: LabCorp Variant Classification Summary - May 2015. Collection method: clinical testing. Allele origin: germline.
Comment: Variant summary: GP1BA c.1683G>T (p.Gln561His) results in a non-conservative amino acid change in the encoded protein sequence. Three of five in-silico tools predict a benign effect of the variant on protein function. The variant allele was found at a frequency of 3e-05 in 1613886 control chromosomes. This frequency does not allow for any conclusion about variant significance. To our knowledge, no occurrence of c.1683G>T in individuals affected with Bernard-Soulier Syndrome, either the dominant A2 type or the recessive A1 type, and no experimental evidence demonstrating its impact on protein function have been reported. ClinVar contains an entry for this variant (Variation ID: 2406098). Based on the evidence outlined above, the variant was classified as uncertain significance.

Ambry Genetics
Classification: Likely benign for Inborn genetic diseases. Last evaluated: 2022-09-06. Review status: criteria provided, single submitter. Criteria: Ambry Variant Classification Scheme 2023. Collection method: clinical testing. Allele origin: germline.

NM_000173.7(GP1BA):c.1683G>T (p.Gln561His)

Gene: GP1BA (glycoprotein Ib platelet subunit alpha; plus strand). Cytogenetic location: 17p13.2.
Variant type: single nucleotide variant.
Coding change: c.1683G>T on transcript NM_000173.7 (MANE Select); coding-DNA position 1683, G replaced by T.
Protein change: p.Gln561His; replaces glutamine 561 with histidine.
Molecular consequence: missense variant.
Genome position (GRCh38, 1-based): chr17:4,934,287, G>T. VCF-style: chr17-4934287-G-T. GRCh37 (hg19) VCF-style: chr17-4837582-G-T.
Other names: short protein forms Q561H.
Identifiers: ClinVar variation 2406098 (VCV002406098.3), dbSNP rs765422613, ClinGen allele CA8315047.
Genomic context (GRCh38, chr17:4,934,287, plus strand): 5'-GCTCTTTGCCTCTGTGGTCCTCATCCTGCTGCTGAGCTGGGTTGGGCATGTGAAACCACA[G>T]GCCCTGGACTCTGGCCAAGGTGCTGCTCTGACCACAGCCACACAAACCACACACCTGGAG-3'
Protein context (NP_000164.5, residues 551-571): LLSWVGHVKP[Gln561His]ALDSGQGAAL